The following is an entry in ClinVar:

ClinVar aggregate classification (germline): Uncertain significance (1 of 4 stars; one submission).

Conditions:
Catecholaminergic polymorphic ventricular tachycardia 1. Also called: RYR2-Related Catecholaminergic Polymorphic Ventricular Tachycardia; VENTRICULAR TACHYCARDIA, CATECHOLAMINERGIC POLYMORPHIC, 1, WITH OR WITHOUT ATRIAL DYSFUNCTION AND/OR DILATED CARDIOMYOPATHY; VENTRICULAR TACHYCARDIA, STRESS-INDUCED POLYMORPHIC 1. Identifiers: Orphanet 3286, MedGen C1631597, MONDO:0011484, OMIM 604772.

Submission:

Labcorp Genetics (formerly Invitae), Labcorp
Classification: Uncertain significance for Catecholaminergic polymorphic ventricular tachycardia 1. Last evaluated: 2024-03-19. Review status: criteria provided, single submitter. Criteria: Invitae Variant Classification Sherloc (09022015). Collection method: clinical testing. Allele origin: germline.
Comment: This sequence change affects an acceptor splice site in intron 47 of the RYR2 gene. It is expected to disrupt RNA splicing. Variants that disrupt the donor or acceptor splice site typically lead to a loss of protein function (PMID: 16199547), however the current clinical and genetic evidence is not sufficient to establish whether loss-of-function variants in RYR2 cause disease. This variant is not present in population databases (gnomAD no frequency). This variant has not been reported in the literature in individuals affected with RYR2-related conditions. Algorithms developed to predict the effect of sequence changes on RNA splicing suggest that this variant may disrupt the consensus splice site. In summary, the available evidence is currently insufficient to determine the role of this variant in disease. Therefore, it has been classified as a Variant of Uncertain Significance.

Literature cited by the submitters: PubMed 16199547.

NM_001035.3(RYR2):c.7222-2A>G

Gene: RYR2 (ryanodine receptor 2; plus strand). Cytogenetic location: 1q43.
Variant type: single nucleotide variant.
Coding change: c.7222-2A>G on transcript NM_001035.3 (MANE Select); the canonical splice acceptor site of the intron before coding-DNA position 7222, A replaced by G.
Molecular consequence: splice acceptor variant.
Genome position (GRCh38, 1-based): chr1:237,643,325, A>G. VCF-style: chr1-237643325-A-G. GRCh37 (hg19) VCF-style: chr1-237806625-A-G.
Identifiers: ClinVar variation 3729978 (VCV003729978.2).
Genomic context (GRCh38, chr1:237,643,325, plus strand): 5'-TAGACAGAATTGTAACATTGATGTCACAAAGTTGTTCTAATGTTTTTTTTTCCCCTGTAT[A>G]GTTGATTCATGCCGGGAAGGGAGAAGCCATCAGAATTAGGTCCATTTTGAGATCCCTCAT-3'